The following is an entry in ClinVar:

NM_001267550.2(TTN):c.51437-1G>C

Genes: TTN (titin; minus strand), TTN-AS1 (TTN antisense RNA 1; plus strand). Cytogenetic location: 2q31.2.
Variant type: single nucleotide variant.
Coding change: c.51437-1G>C on transcript NM_001267550.2 (MANE Select); the canonical splice acceptor site of the intron before coding-DNA position 51437, G replaced by C.
Molecular consequence: splice acceptor variant.
Genome position (GRCh38, 1-based): chr2:178,609,987, C>G on the plus strand (G>C on the coding strand, the complement: TTN is on the minus strand). VCF-style: chr2-178609987-C-G. GRCh37 (hg19) VCF-style: chr2-179474714-C-G.
Other names: c.24242-1G>C (NM_003319.4); c.24818-1G>C (NM_133437.4); c.24617-1G>C (NM_133432.3); c.43733-1G>C (NM_133378.4); c.46514-1G>C (NM_001256850.1).
Identifiers: ClinVar variation 870882 (VCV000870882.45), dbSNP rs2055916646, ClinGen allele CA349585751.

ClinVar aggregate classification (germline): Conflicting classifications of pathogenicity. Review status: criteria provided, conflicting classifications (1 of 4 stars). 3 submissions from 3 submitters: Pathogenic (1); Likely pathogenic (1); Uncertain significance (1). Last evaluated 2025-09-27.

Conditions:
Dilated cardiomyopathy 1G (CMD1G). Identifiers: Orphanet 154, MedGen C1858763, MONDO:0011400, OMIM 604145.
Autosomal recessive limb-girdle muscular dystrophy type 2J (LGMDR10). Also called: MUSCULAR DYSTROPHY, LIMB-GIRDLE, AUTOSOMAL RECESSIVE 10; Limb-girdle muscular dystrophy, type 2J. Identifiers: Orphanet 140922, MedGen C1837342, MONDO:0012127, OMIM 608807.

Submissions (3):

Labcorp Genetics (formerly Invitae), Labcorp
Classification: Likely pathogenic for Dilated cardiomyopathy 1G; Autosomal recessive limb-girdle muscular dystrophy type 2J. Last evaluated: 2025-09-27. Review status: criteria provided, single submitter. Criteria: Invitae Variant Classification Sherloc (09022015). Collection method: clinical testing. Allele origin: germline.
Comment: This sequence change affects an acceptor splice site in intron 271 of the TTN gene. It is expected to disrupt RNA splicing and likely results in a truncated or disrupted TTN protein. This variant is not present in population databases (gnomAD no frequency). This variant has not been reported in the literature in individuals affected with TTN-related conditions. ClinVar contains an entry for this variant (Variation ID: 870882). Algorithms developed to predict the effect of sequence changes on RNA splicing suggest that this variant may disrupt the consensus splice site. This variant is located in the A band of TTN (PMID: 25589632). Truncating variants in this region are significantly overrepresented in patients affected with dilated cardiomyopathy (PMID: 25589632). Truncating variants in this region have also been reported in individuals affected with autosomal recessive centronuclear myopathy (PMID: 23975875). In summary, the currently available evidence indicates that the variant is pathogenic, but additional data are needed to prove that conclusively. Therefore, this variant has been classified as Likely Pathogenic.

CeGaT Center for Human Genetics Tuebingen
Classification: Pathogenic. Last evaluated: 2020-06-01. Review status: criteria provided, single submitter. Criteria: CeGaT Center For Human Genetics Tuebingen Variant Classification Criteria Version 2. Collection method: clinical testing. Allele origin: germline. Affected: yes. Observed: 2 variant alleles.

Revvity Omics, Revvity
Classification: Uncertain significance. Last evaluated: 2019-07-02. Review status: criteria provided, single submitter. Criteria: ACMG Guidelines, 2015. Collection method: clinical testing. Allele origin: germline.

Literature cited by the submitters: PubMed 25589632 (cited by Labcorp Genetics (formerly Invitae), Labcorp); PubMed 23975875 (cited by Labcorp Genetics (formerly Invitae), Labcorp).